The following is an entry in ClinVar:

ClinVar aggregate classification (germline): Uncertain significance (1 of 4 stars; one submission).

Allele frequency attached by ClinVar (database versions not stated): TOPMed below 0.00001; gnomAD 0.00001.
gnomAD v4.1: 2 of 1,614,090 alleles (0.00012%); highest among the groups gnomAD compares: Non-Finnish European, 0.000085%; no homozygotes.

Submission:

Ambry Genetics
Classification: Uncertain significance. Last evaluated: 2024-03-27. Review status: criteria provided, single submitter. Criteria: Ambry Variant Classification Scheme 2023. Collection method: clinical testing. Allele origin: germline.
Comment: The p.G1136E variant (also known as c.3407G>A), located in coding exon 4 of the ALPK2 gene, results from a G to A substitution at nucleotide position 3407. The glycine at codon 1136 is replaced by glutamic acid, an amino acid with similar properties. This amino acid position is conserved. In addition, this alteration is predicted to be tolerated by in silico analysis. Since supporting evidence is limited at this time, the clinical significance of this alteration remains unclear.

NM_052947.4(ALPK2):c.3407G>A (p.Gly1136Glu)

Gene: ALPK2 (alpha kinase 2; minus strand). Cytogenetic location: 18q21.31.
Variant type: single nucleotide variant.
Coding change: c.3407G>A on transcript NM_052947.4 (MANE Select); coding-DNA position 3407, G replaced by A.
Protein change: p.Gly1136Glu; replaces glycine 1136 with glutamic acid.
Molecular consequence: missense variant.
Genome position (GRCh38, 1-based): chr18:58,536,780, C>T on the plus strand (G>A on the coding strand, the complement: ALPK2 is on the minus strand). VCF-style: chr18-58536780-C-T. GRCh37 (hg19) VCF-style: chr18-56204012-C-T.
Other names: short protein forms G1136E.
Identifiers: ClinVar variation 1731133 (VCV001731133.2), dbSNP rs1159578541, ClinGen allele CA402567058.